The following is an entry in ClinVar:

ClinVar aggregate classification (germline): Uncertain significance (1 of 4 stars; one submission).

Conditions:
Inborn genetic diseases. Identifiers: MedGen C0950123, MeSH D030342.

Submission:

Ambry Genetics
Classification: Uncertain significance for Inborn genetic diseases. Last evaluated: 2026-01-21. Review status: criteria provided, single submitter. Criteria: Ambry Variant Classification Scheme 2023. Collection method: clinical testing. Allele origin: germline.
Comment: The p.S1459C variant (also known as c.4375A>T), located in coding exon 13 of the ASXL1 gene, results from an A to T substitution at nucleotide position 4375. The serine at codon 1459 is replaced by cysteine, an amino acid with dissimilar properties. This amino acid position is conserved. In addition, this alteration is predicted to be tolerated by in silico analysis. Based on the available evidence, the clinical significance of this variant remains unclear.

NM_015338.6(ASXL1):c.4375A>T (p.Ser1459Cys)

Gene: ASXL1 (ASXL transcriptional regulator 1; plus strand). Cytogenetic location: 20q11.21.
Variant type: single nucleotide variant.
Coding change: c.4375A>T on transcript NM_015338.6 (MANE Select); coding-DNA position 4375, A replaced by T.
Protein change: p.Ser1459Cys; replaces serine 1459 with cysteine.
Molecular consequence: missense variant.
Genome position (GRCh38, 1-based): chr20:32,437,087, A>T. VCF-style: chr20-32437087-A-T. GRCh37 (hg19) VCF-style: chr20-31024890-A-T.
Other names: c.4192A>T, p.Ser1398Cys (NM_001363734.1); short protein forms S1398C, S1459C.
Identifiers: ClinVar variation 4825196 (VCV004825196.1).
Genomic context (GRCh38, chr20:32,437,087, plus strand): 5'-GCATTTTATGGGAAGCTTTCTAAACTCCAACTGAGTTCCACCAGCTTTAATTATTCCTCT[A>T]GCTCTCCCACCTTTCCCAAAGGCCTTGCTGGAAGTGTGGTGCAGCTGAGCCACAAAGCAA-3'
Protein context (NP_056153.2, residues 1449-1469): LSSTSFNYSS[Ser1459Cys]SPTFPKGLAG